The following is an entry in ClinVar:

NM_022124.6(CDH23):c.4329C>T (p.Ala1443=)

Gene: CDH23 (cadherin related 23; plus strand). Cytogenetic location: 10q22.1.
Variant type: single nucleotide variant.
Coding change: c.4329C>T on transcript NM_022124.6 (MANE Select); coding-DNA position 4329, C replaced by T.
Protein change: p.Ala1443=; no amino-acid change (alanine 1443 retained).
Molecular consequence: synonymous variant.
Genome position (GRCh38, 1-based): chr10:71,738,617, C>T. VCF-style: chr10-71738617-C-T. GRCh37 (hg19) VCF-style: chr10-73498374-C-T.
Other names: c.4329C>T (NM_022124.5).
Identifiers: ClinVar variation 2145460 (VCV002145460.5), dbSNP rs1250010897, ClinGen allele CA470068770.
Genomic context (GRCh38, chr10:71,738,617, plus strand): 5'-CTCGGCGGTCAGCATACCCGAGGACTGCCCTGTGGGCCAGCGAGTGGCTACTGTCAAGGC[C>T]TGGGACCCTGATGCTGGCAGCAATGGGCAGGTGGGCCACCGAGTGAAACAGCCAGGATCC-3'
Protein context (NP_071407.4, residues 1433-1453): PVGQRVATVK[Ala1443=]WDPDAGSNGQ

ClinVar aggregate classification (germline): Likely benign. Review status: criteria provided, multiple submitters, no conflicts (2 of 4 stars). 2 submissions from 2 submitters: Likely benign (2). Last evaluated 2025-06-29.

Conditions:
CDH23-related disorder. Also called: CDH23-related condition; CDH23-related disorders.

Allele frequency attached by ClinVar (database versions not stated): gnomAD 0.00001; gnomAD exomes 0.00001.
gnomAD v4.1: 9 of 1,613,522 alleles (0.00056%); highest among the groups gnomAD compares: Non-Finnish European, 0.00068%; no homozygotes.

Submissions (2):

PreventionGenetics, part of Exact Sciences
Classification: Likely benign for CDH23-related condition. Last evaluated: 2025-06-29. Review status: criteria provided, single submitter. Criteria: ACMG Guidelines, 2015. Collection method: clinical testing. Allele origin: germline.
Comment: This variant is classified as likely benign based on ACMG/AMP sequence variant interpretation guidelines (Richards et al. 2015 PMID: 25741868, with internal and published modifications).

Labcorp Genetics (formerly Invitae), Labcorp
Classification: Likely benign. Last evaluated: 2022-08-09. Review status: criteria provided, single submitter. Criteria: Invitae Variant Classification Sherloc (09022015). Collection method: clinical testing. Allele origin: germline.